The following is an entry in ClinVar:

NC_012920.1(MT-ND3):m.10172G>A

Gene: MT-ND3 (mitochondrially encoded NADH dehydrogenase 3; plus strand).
Variant type: single nucleotide variant.
Genome position: chrM-10172-G-A.
Other names: NC_012920.1:m.10172G>A.
Identifiers: ClinVar variation 1328510 (VCV001328510.1), dbSNP rs879100790, ClinGen allele CA337098731.

ClinVar aggregate classification (germline): Likely benign (3 of 4 stars; one submission).

Conditions:
Mitochondrial disease. Also called: Mitochondrial disorders; Mitochondrial disorder. Identifiers: Orphanet 68380, MedGen C0751651, MeSH D028361, MONDO:0044970.

Submission:

ClinGen Mitochondrial Disease Nuclear and Mitochondrial  Variant Curation Expert Panel, ClinGen
Classification: Likely benign for Mitochondrial disease. Last evaluated: 2021-10-26. Review status: reviewed by expert panel. Criteria: clingen mito disease acmg specifications v1-1. Collection method: curation. Allele origin: germline. Inheritance: Mitochondrial inheritance.
Comment: The m.10172G>A (p.E38E) variant in MT-ND3 was reviewed by the Mitochondrial Disease Nuclear and Mitochondrial Variant Curation Expert Panel as part of the variant pilot for mitochondrial DNA variant specifications (McCormick et al., 2020; PMID: 32906214). This variant is seen in over 0.8% of individuals in the GenBank dataset (BS1), including in haplogroups J2b (97.91% of individuals), U6a (7.44% of individuals), Q1f (10/17 individuals), and M13b (7/13 individuals). Furthermore, this variant is seen in the gnomAD dataset (v3.1.2) at an overall homoplasmic allele frequency of 0.58% including in haplogroup J at 6.7%. If an affected individual is not a member of one of these haplogroups, further evaluation of the variant in that particular individual should be considered. This is a synonymous variant (BP7). In summary, this variant meets criteria to be classified as likely benign given its synonymous nature and high frequency in the general population. This classification was approved by the NICHD U24 Mitochondrial Disease Variant Curation Expert Panel as of August 20, 2020. Mitochondrial DNA-specific ACMG/AMP criteria applied: BS1, BP7.